The following is an entry in ClinVar:

NM_004612.4(TGFBR1):c.812G>A (p.Gly271Asp)

Gene: TGFBR1 (transforming growth factor beta receptor 1; plus strand). Cytogenetic location: 9q22.33.
Variant type: single nucleotide variant.
Coding change: c.812G>A on transcript NM_004612.4 (MANE Select); coding-DNA position 812, G replaced by A.
Protein change: p.Gly271Asp; replaces glycine 271 with aspartic acid.
Molecular consequence: missense variant. On other transcripts: non-coding transcript variant (4), intron variant (2).
Genome position (GRCh38, 1-based): chr9:99,142,542, G>A. VCF-style: chr9-99142542-G-A. GRCh37 (hg19) VCF-style: chr9-101904824-G-A.
Other names: c.581G>A, p.Gly194Asp (NM_001130916.3, NM_001407435.1); c.824G>A, p.Gly275Asp (NM_001306210.2); c.617G>A, p.Gly206Asp (NM_001407418.1, NM_001407419.1, NM_001407420.1 and 1 more transcripts); c.605G>A, p.Gly202Asp (NM_001407423.1, NM_001407424.1, NM_001407425.1 and 8 more transcripts); c.566G>A, p.Gly189Asp (NM_001407436.1); c.104G>A, p.Gly35Asp (NM_001407437.1); c.335G>A, p.Gly112Asp (NM_001407438.1); c.818-2190G>A (NM_001407416.1); and 1 more; short protein forms G112D, G189D, G202D, G206D, G271D, G35D, G194D, G275D.
Identifiers: ClinVar variation 4695077 (VCV004695077.1).
Genomic context (GRCh38, chr9:99,142,542, plus strand): 5'-AAATAAATCATAAATGGTCTGCAGCCCAACCGAAATGTTAATTCTGTTTTACAGACAATG[G>A]TACTTGGACTCAGCTCTGGTTGGTGTCAGATTATCATGAGCATGGATCCCTTTTTGATTA-3'
Protein context (NP_004603.1, residues 261-281): GFIAADNKDN[Gly271Asp]TWTQLWLVSD

ClinVar aggregate classification (germline): Uncertain significance (1 of 4 stars; one submission).

Conditions:
Familial thoracic aortic aneurysm and aortic dissection (TAAD). Also called: Thoracic aortic aneurysms and dissections. Identifiers: Orphanet 91387, MedGen C4707243, MONDO:0019625.

gnomAD v4.1: 1 of 1,613,998 alleles (0.000062%); highest among the groups gnomAD compares: South Asian, 0.0011%; no homozygotes.

Submission:

Labcorp Genetics (formerly Invitae), Labcorp
Classification: Uncertain significance for Familial thoracic aortic aneurysm and aortic dissection. Last evaluated: 2025-04-30. Review status: criteria provided, single submitter. Criteria: Invitae Variant Classification Sherloc (09022015). Collection method: clinical testing. Allele origin: germline.
Comment: This sequence change replaces glycine, which is neutral and non-polar, with aspartic acid, which is acidic and polar, at codon 271 of the TGFBR1 protein (p.Gly271Asp). This variant is not present in population databases (gnomAD no frequency). This missense change has been observed in individual(s) with Loeys-Dietz syndrome (PMID: 31569402). Invitae Evidence Modeling of protein sequence and biophysical properties (such as structural, functional, and spatial information, amino acid conservation, physicochemical variation, residue mobility, and thermodynamic stability) indicates that this missense variant is expected to disrupt TGFBR1 protein function with a positive predictive value of 80%. In summary, the available evidence is currently insufficient to determine the role of this variant in disease. Therefore, it has been classified as a Variant of Uncertain Significance.

Literature cited by the submitters: PubMed 31569402.